The following is an entry in ClinVar:

NM_015100.4(POGZ):c.2244G>A (p.Met748Ile)

Gene: POGZ (pogo transposable element derived with ZNF domain; minus strand). Cytogenetic location: 1q21.3.
Variant type: single nucleotide variant.
Coding change: c.2244G>A on transcript NM_015100.4 (MANE Select); coding-DNA position 2244, G replaced by A.
Protein change: p.Met748Ile; replaces methionine 748 with isoleucine.
Molecular consequence: missense variant.
Genome position (GRCh38, 1-based): chr1:151,408,231, C>T on the plus strand (G>A on the coding strand, the complement: POGZ is on the minus strand). VCF-style: chr1-151408231-C-T. GRCh37 (hg19) VCF-style: chr1-151380707-C-T.
Other names: c.2217G>A, p.Met739Ile (NM_001194937.2); c.2058G>A, p.Met686Ile (NM_001194938.2); c.2265G>A, p.Met755Ile (NM_001410860.1); c.1959G>A, p.Met653Ile (NM_145796.4); c.2085G>A, p.Met695Ile (NM_207171.2); short protein forms M653I, M686I, M695I, M739I, M748I, M755I.
Identifiers: ClinVar variation 4847105 (VCV004847105.1).

ClinVar aggregate classification (germline): Uncertain significance (1 of 4 stars; one submission).

Submission:

Women's Health and Genetics/Laboratory Corporation of America, LabCorp
Classification: Uncertain significance. Last evaluated: 2026-03-18. Review status: criteria provided, single submitter. Criteria: LabCorp Variant Classification Summary - May 2015. Collection method: clinical testing. Allele origin: germline.
Comment: Variant summary: POGZ c.2244G>A (p.Met748Ile) results in a conservative amino acid change in the encoded protein sequence. Algorithms developed to predict the effect of missense changes on protein structure and function are either unavailable or do not agree on the potential impact of this missense change. The variant was absent in 247146 control chromosomes. The available data on variant occurrences in the general population are insufficient to allow any conclusion about variant significance. To our knowledge, no occurrence of c.2244G>A in individuals affected with POGZ-related conditions and no experimental evidence demonstrating its impact on protein function have been reported. No submitters have cited clinical-significance assessments for this variant to ClinVar. Based on the evidence outlined above, the variant was classified as uncertain significance.